The following is an entry in ClinVar:

NM_020738.4(KIDINS220):c.1868A>C (p.Asp623Ala)

Gene: KIDINS220 (kinase D interacting substrate 220; minus strand). Cytogenetic location: 2p25.1.
Variant type: single nucleotide variant.
Coding change: c.1868A>C on transcript NM_020738.4 (MANE Select); coding-DNA position 1868, A replaced by C.
Protein change: p.Asp623Ala; replaces aspartic acid 623 with alanine.
Molecular consequence: missense variant. On other transcripts: non-coding transcript variant (2).
Genome position (GRCh38, 1-based): chr2:8,786,277, T>G on the plus strand (A>C on the coding strand, the complement: KIDINS220 is on the minus strand). VCF-style: chr2-8786277-T-G. GRCh37 (hg19) VCF-style: chr2-8926407-T-G.
Other names: c.1871A>C, p.Asp624Ala (NM_001348729.2, NM_001348731.2, NM_001348734.2 and 3 more transcripts); c.1868A>C, p.Asp623Ala (NM_001348732.2, NM_001348735.2, NM_001348738.2 and 3 more transcripts); c.1742A>C, p.Asp581Ala (NM_001348736.2); short protein forms D581A, D623A, D624A.
Identifiers: ClinVar variation 4528199 (VCV004528199.1).

ClinVar aggregate classification (germline): Uncertain significance (1 of 4 stars; one submission).

gnomAD v4.1: 1 of 1,614,116 alleles (0.000062%); no homozygotes.

Submission:

GeneDx
Classification: Uncertain significance. Last evaluated: 2025-05-07. Review status: criteria provided, single submitter. Criteria: GeneDx Variant Classification Process June 2021. Collection method: clinical testing. Allele origin: germline. Affected: yes.
Comment: Not observed at significant frequency in large population cohorts (gnomAD); In silico analysis supports that this missense variant has a deleterious effect on protein structure/function; Has not been previously published as pathogenic or benign to our knowledge